The following is an entry in ClinVar:

ClinVar aggregate classification (germline): Conflicting classifications of pathogenicity. Review status: criteria provided, conflicting classifications (1 of 4 stars). 4 submissions from 4 submitters: Uncertain significance (3); Likely benign (1). Last evaluated 2025-08-18.

Conditions:
Cardiovascular phenotype. Identifiers: MedGen CN230736.
Arrhythmogenic cardiomyopathy with wooly hair and keratoderma. Also called: Carvajal syndrome; Dilated cardiomyopathy with woolly hair and keratoderma; Arrhythmogenic cardiomyopathy with woolly hair and keratoderma; PALMOPLANTAR KERATODERMA WITH LEFT VENTRICULAR CARDIOMYOPATHY AND WOOLLY HAIR. Identifiers: Orphanet 65282, MedGen C1854063, MONDO:0011581, OMIM 605676.
Arrhythmogenic right ventricular dysplasia 8 (ARVD8). Also called: Arrhythmogenic Right Ventricular Dysplasia/Cardiomyopathy 8; ARRHYTHMOGENIC RIGHT VENTRICULAR CARDIOMYOPATHY 8; ARRHYTHMOGENIC RIGHT VENTRICULAR DYSPLASIA, FAMILIAL, 8. Identifiers: MedGen C1843896, MONDO:0011831, OMIM 607450.

Allele frequency attached by ClinVar (database versions not stated): TOPMed below 0.00001; gnomAD 0.00001.
gnomAD v4.1: 1 of 1,614,140 alleles (0.000062%); highest among the groups gnomAD compares: African/African-American, 0.0013%; no homozygotes.

Submissions (4):

Labcorp Genetics (formerly Invitae), Labcorp
Classification: Likely benign for Arrhythmogenic cardiomyopathy with wooly hair and keratoderma; Arrhythmogenic right ventricular dysplasia 8. Last evaluated: 2025-08-18. Review status: criteria provided, single submitter. Criteria: Invitae Variant Classification Sherloc (09022015). Collection method: clinical testing. Allele origin: germline.

All of Us Research Program, National Institutes of Health
Classification: Uncertain significance for Arrhythmogenic cardiomyopathy with wooly hair and keratoderma. Last evaluated: 2024-04-25. Review status: criteria provided, single submitter. Criteria: ACMG Guidelines, 2015. Collection method: clinical testing. Allele origin: germline. Inheritance: Autosomal dominant inheritance. Observed: 1 variant allele, 1 heterozygote.
Comment: This missense variant replaces glutamine with leucine at codon 66 of the DSP protein. Computational prediction suggests that this variant may not impact protein structure and function (internally defined REVEL score threshold <= 0.5, PMID: 27666373). To our knowledge, functional studies have not been reported for this variant. This variant has not been reported in individuals affected with DSP-related disorders in the literature. This variant has been identified in 1/31412 chromosomes in the general population by the Genome Aggregation Database (gnomAD). The available evidence is insufficient to determine the role of this variant in disease conclusively. Therefore, this variant is classified as a Variant of Uncertain Significance.

This study involves interpretation of variants in research participants for the purpose of population health screening. Participant phenotype was not available at the time of variant classification. Additional details can be found in publication PMID: 35346344, PMCID: PMC8962531

Ambry Genetics
Classification: Uncertain significance for Cardiovascular phenotype. Last evaluated: 2021-09-24. Review status: criteria provided, single submitter. Criteria: Ambry Variant Classification Scheme 2023. Collection method: clinical testing. Allele origin: germline.
Comment: The p.Q66L variant (also known as c.197A>T), located in coding exon 2 of the DSP gene, results from an A to T substitution at nucleotide position 197. The glutamine at codon 66 is replaced by leucine, an amino acid with dissimilar properties. This amino acid position is highly conserved in available vertebrate species. In addition, the in silico prediction for this alteration is inconclusive. Since supporting evidence is limited at this time, the clinical significance of this alteration remains unclear.

GeneDx
Classification: Uncertain significance. Last evaluated: 2014-09-04. Review status: criteria provided, single submitter. Criteria: GeneDx Variant Classification (06012015). Collection method: clinical testing. Allele origin: germline. Affected: yes.
Comment: p.Gln66Leu (CAG>CTG): c.197 A>T in exon 2 of the DSP gene (NM_004415.2). The Q66L variant has not been published as a mutation, nor has it been reported as a benign polymorphism to our knowledge. The Q66L variant was not observed in approximately 6,500 individuals of European and African American ancestry in the NHLBI Exome Sequencing Project, indicating it is not a common benign variant in these populations. The Q66L variant is a non-conservative amino acid substitution, which is likely to impact secondary protein structure as these residues differ in polarity, charge, size and/or other properties. Additionally, this substitution occurs at a position that is conserved across species and in silico analysis predicts this variant is probably damaging to the protein structure/function. However, missense mutations in nearby residues have not been reported, indicating this region of the protein may be tolerant of change. Therefore, based on the currently available information, it is unclear whether this variant is a pathogenic mutation or a rare benign variant. The variant is found in CARDIOMYOPATHY panel(s).

NM_004415.4(DSP):c.197A>T (p.Gln66Leu)

Gene: DSP (desmoplakin; plus strand). Cytogenetic location: 6p24.3.
Variant type: single nucleotide variant.
Coding change: c.197A>T on transcript NM_004415.4 (MANE Select); coding-DNA position 197, A replaced by T.
Protein change: p.Gln66Leu; replaces glutamine 66 with leucine.
Molecular consequence: missense variant.
Genome position (GRCh38, 1-based): chr6:7,555,744, A>T. VCF-style: chr6-7555744-A-T. GRCh37 (hg19) VCF-style: chr6-7555977-A-T.
Other names: p.Q66L:CAG>CTG; c.197A>T (LRG_423t1); c.197A>T, p.Gln66Leu (NM_001008844.3, NM_001319034.2); short protein forms Q66L.
Identifiers: ClinVar variation 199931 (VCV000199931.10), dbSNP rs794728152, ClinGen allele CA005211.